The following is an entry in ClinVar:

ClinVar aggregate classification (germline): Benign/Likely benign. Review status: criteria provided, multiple submitters, no conflicts (2 of 4 stars). 4 submissions from 4 submitters: Benign (2); Likely benign (2). Last evaluated 2026-02-01.

Allele frequency attached by ClinVar (database versions not stated): gnomAD exomes 0.00128 and 0.00365; ExAC 0.00467; gnomAD 0.01453 and 0.01558; ESP Exome Variant Server 0.01522; 1000 Genomes Project 30x 0.01546; 1000 Genomes Project 0.01577; TOPMed 0.01590.

Submissions (4):

Labcorp Genetics (formerly Invitae), Labcorp
Classification: Benign. Last evaluated: 2026-02-01. Review status: criteria provided, single submitter. Criteria: Invitae Variant Classification Sherloc (09022015). Collection method: clinical testing. Allele origin: germline.

Mayo Clinic Laboratories, Mayo Clinic
Classification: Benign. Last evaluated: 2023-03-30. Review status: criteria provided, single submitter. Criteria: ACMG Guidelines, 2015. Collection method: clinical testing. Allele origin: germline. Observed: 7 variant alleles.
Comment: BS1, BP4

GeneDx
Classification: Likely benign. Last evaluated: 2021-04-29. Review status: criteria provided, single submitter. Criteria: GeneDx Variant Classification Process June 2021. Collection method: clinical testing. Allele origin: germline. Affected: yes.

Breakthrough Genomics
Classification: Likely benign. Review status: criteria provided, single submitter. Criteria: ACMG Guidelines, 2015. Collection method: not provided. Allele origin: germline. Inheritance: Autosomal recessive inheritance. Affected: yes.

NM_001136191.3(KANK2):c.1468G>A (p.Ala490Thr)

Gene: KANK2 (KN motif and ankyrin repeat domains 2; minus strand). Cytogenetic location: 19p13.2.
Variant type: single nucleotide variant.
Coding change: c.1468G>A on transcript NM_001136191.3 (MANE Select); coding-DNA position 1468, G replaced by A.
Protein change: p.Ala490Thr; replaces alanine 490 with threonine.
Molecular consequence: missense variant.
Genome position (GRCh38, 1-based): chr19:11,178,397, C>T on the plus strand (G>A on the coding strand, the complement: KANK2 is on the minus strand). VCF-style: chr19-11178397-C-T. GRCh37 (hg19) VCF-style: chr19-11289073-C-T.
Other names: p.Ala490Thr; c.1468G>A, p.Ala490Thr (NM_001329451.2, NM_001379555.1, NM_001379556.1 and 7 more transcripts); c.1492G>A, p.Ala498Thr (NM_001379548.1, NM_001379549.1, NM_001379550.1 and 5 more transcripts); short protein forms A498T, A490T.
Identifiers: ClinVar variation 777444 (VCV000777444.13), dbSNP rs115473443, ClinGen allele CA9205659.